The following is an entry in ClinVar:

ClinVar aggregate classification (germline): Likely pathogenic (1 of 4 stars; one submission).

Conditions:
Autosomal recessive polycystic kidney disease (ARPKD). Also called: AR polycystic kidney disease. Identifiers: Orphanet 731, Orphanet 8378, MedGen C0085548, MeSH D017044, MONDO:0009889.

Submission:

Natera, Inc.
Classification: Likely pathogenic for Autosomal recessive polycystic kidney disease. Last evaluated: 2025-10-06. Review status: criteria provided, single submitter. Criteria: Natera Variant Classification Schema (03/2026). Collection method: clinical testing. Allele origin: germline.
Comment: The c.4654_4655delinsA variant in PKHD1 is a frameshift variant predicted to shift the reading frame beginning at codon 1552 and leads to a stop codon 40 codons downstream. This variant is expected to result in nonsense mediated decay, truncation, or a dysfunctional protein product. This variant is rare in the general population with a frequency below the threshold expected for the associated phenotype(s). Given the available evidence, this variant is classified as Likely Pathogenic.

NM_138694.4(PKHD1):c.4654_4655delinsA (p.Val1552fs)

Genes: PKHD1 (PKHD1 ciliary IPT domain containing fibrocystin/polyductin; minus strand), LOC126859690 (MED14-independent group 3 enhancer GRCh37_chr6:51888848-51890047; plus strand). Cytogenetic location: 6p12.2.
Variant type: Indel.
Coding change: c.4654_4655delinsA on transcript NM_138694.4 (MANE Select); coding-DNA positions 4654 to 4655, GT replaced by A.
Protein change: p.Val1552fs; shifts the reading frame from valine 1552.
Molecular consequence: frameshift variant.
Genome position (GRCh38, 1-based): chr6:52,025,155-52,025,156, AC replaced by T on the plus strand (GT replaced by A on the coding strand, the reverse complement: PKHD1 is on the minus strand). VCF-style: chr6-52025155-AC-T. GRCh37 (hg19) VCF-style: chr6-51889953-AC-T.
Other names: c.4654_4655delinsA, p.Val1552fs (NM_170724.3); short protein forms V1552fs.
Identifiers: ClinVar variation 4816672 (VCV004816672.1).